The following is an entry in ClinVar:

NM_000746.6(CHRNA7):c.966C>T (p.Pro322=)

Gene: CHRNA7 (cholinergic receptor nicotinic alpha 7 subunit). Cytogenetic location: 15q13.3.
Variant type: single nucleotide variant.
Coding change: c.966C>T on transcript NM_000746.6 (MANE Select); coding-DNA position 966, C replaced by T.
Protein change: p.Pro322=; no amino-acid change (proline 322 retained).
Molecular consequence: synonymous variant. On other transcripts: non-coding transcript variant (1).
Genome position (GRCh38, 1-based): chr15:32,163,311, C>T. VCF-style: chr15-32163311-C-T. GRCh37 (hg19) VCF-style: chr15-32455512-C-T.
Other names: c.1053C>T, p.Pro351= (NM_001190455.3).
Identifiers: ClinVar variation 711613 (VCV000711613.12), dbSNP rs765301048, ClinGen allele CA7454351.

ClinVar aggregate classification (germline): Likely benign. Review status: criteria provided, multiple submitters, no conflicts (2 of 4 stars). 3 submissions from 3 submitters: Likely benign (3). Last evaluated 2026-08-01.

Allele frequency attached by ClinVar (database versions not stated): gnomAD 0.00001; gnomAD exomes 0.00035; ExAC 0.00097.

Submissions (3):

CeGaT Center for Human Genetics Tuebingen
Classification: Likely benign. Last evaluated: 2026-08-01. Review status: criteria provided, single submitter. Criteria: CeGaT Center For Human Genetics Tuebingen Variant Classification Criteria Version 2. Collection method: clinical testing. Allele origin: germline. Affected: yes. Observed: 2 variant alleles.
Comment: CHRNA7: BP4, BP7

Labcorp Genetics (formerly Invitae), Labcorp
Classification: Likely benign. Last evaluated: 2018-04-10. Review status: criteria provided, single submitter. Criteria: Invitae Variant Classification Sherloc (09022015). Collection method: clinical testing. Allele origin: germline.

Breakthrough Genomics
Classification: Likely benign. Review status: criteria provided, single submitter. Criteria: ACMG Guidelines, 2015. Collection method: not provided. Allele origin: germline. Inheritance: Unknown mechanism. Affected: yes.